The following is an entry in ClinVar:

NM_006231.4(POLE):c.2320-5C>T

Gene: POLE (DNA polymerase epsilon, catalytic subunit; minus strand). Cytogenetic location: 12q24.33.
Variant type: single nucleotide variant.
Coding change: c.2320-5C>T on transcript NM_006231.4 (MANE Select); 5 bases into the intron before coding-DNA position 2320, C replaced by T.
Molecular consequence: intron variant.
Genome position (GRCh38, 1-based): chr12:132,665,455, G>A on the plus strand (C>T on the coding strand, the complement: POLE is on the minus strand). VCF-style: chr12-132665455-G-A. GRCh37 (hg19) VCF-style: chr12-133242041-G-A.
Other names: c.2320-5C>T (NM_006231.2).
Identifiers: ClinVar variation 1967627 (VCV001967627.6), dbSNP rs2542075835, ClinGen allele CA2580086030.

ClinVar aggregate classification (germline): Conflicting classifications of pathogenicity. Review status: criteria provided, conflicting classifications (1 of 4 stars). 2 submissions from 2 submitters: Uncertain significance (1); Likely benign (1). Last evaluated 2024-12-26.

Conditions:
Hereditary cancer-predisposing syndrome. Also called: Tumor predisposition; Hereditary Cancer Syndrome; Hereditary neoplastic syndrome; Neoplastic Syndromes, Hereditary. Identifiers: Orphanet 140162, MedGen C0027672, MeSH D009386, MONDO:0015356.

Allele frequency attached by ClinVar (database versions not stated): gnomAD exomes below 0.00001.

Submissions (2):

Ambry Genetics
Classification: Uncertain significance for Hereditary cancer-predisposing syndrome. Last evaluated: 2024-12-26. Review status: criteria provided, single submitter. Criteria: Ambry Variant Classification Scheme 2023. Collection method: clinical testing. Allele origin: germline.
Comment: The c.2320-5C>T intronic variant results from a C to T substitution 5 nucleotides upstream from coding exon 21 in the POLE gene. This nucleotide position is not well conserved in available vertebrate species. In silico splice site analysis predicts that this alteration will not have any significant effect on splicing. Based on the available evidence, the clinical significance of this variant remains unclear.

Labcorp Genetics (formerly Invitae), Labcorp
Classification: Likely benign. Last evaluated: 2023-10-15. Review status: criteria provided, single submitter. Criteria: Invitae Variant Classification Sherloc (09022015). Collection method: clinical testing. Allele origin: germline.